The following is an entry in ClinVar:

ClinVar aggregate classification (germline): Uncertain significance (1 of 4 stars; one submission).

Conditions:
Gastrointestinal stromal tumor. Also called: Gastrointestinal stromal tumor, somatic; Gastrointestinal stroma tumor. Identifiers: Orphanet 44890, MedGen C0238198, MeSH D046152, MONDO:0011719, OMIM 606764, HP:0100723.

Submission:

Labcorp Genetics (formerly Invitae), Labcorp
Classification: Uncertain significance for Gastrointestinal stromal tumor. Last evaluated: 2024-11-20. Review status: criteria provided, single submitter. Criteria: Invitae Variant Classification Sherloc (09022015). Collection method: clinical testing. Allele origin: germline.
Comment: This variant occurs in a non-coding region of the KIT gene. It does not change the encoded amino acid sequence of the KIT protein. This variant is not present in population databases (gnomAD no frequency). This variant has not been reported in the literature in individuals affected with KIT-related conditions. This variant is also known as p.Gly6_Ala7ins35. Experimental studies and prediction algorithms are not available or were not evaluated, and the functional significance of this variant is currently unknown. In summary, the available evidence is currently insufficient to determine the role of this variant in disease. Therefore, it has been classified as a Variant of Uncertain Significance.

NC_000004.12:g.54657928_54658032dup

Gene: KIT (KIT proto-oncogene, receptor tyrosine kinase; plus strand). Cytogenetic location: 4q12.
Variant type: Duplication.
Genome position: GRCh38: chr4:54,657,928-54,658,032. GRCh37 (hg19): chr4:55,524,095-55,524,199.
Identifiers: ClinVar variation 3725695 (VCV003725695.2).